The following is an entry in ClinVar:

ClinVar aggregate classification (germline): Uncertain significance (1 of 4 stars; one submission).

Submission:

Labcorp Genetics (formerly Invitae), Labcorp
Classification: Uncertain significance. Last evaluated: 2022-10-17. Review status: criteria provided, single submitter. Criteria: Invitae Variant Classification Sherloc (09022015). Collection method: clinical testing. Allele origin: germline.
Comment: In summary, the available evidence is currently insufficient to determine the role of this variant in disease. Therefore, it has been classified as a Variant of Uncertain Significance. Advanced modeling of protein sequence and biophysical properties (such as structural, functional, and spatial information, amino acid conservation, physicochemical variation, residue mobility, and thermodynamic stability) has been performed at Invitae for this missense variant, however the output from this modeling did not meet the statistical confidence thresholds required to predict the impact of this variant on SNRNP200 protein function. ClinVar contains an entry for this variant (Variation ID: 1039585). This variant has not been reported in the literature in individuals affected with SNRNP200-related conditions. This variant is not present in population databases (gnomAD no frequency). This sequence change replaces alanine, which is neutral and non-polar, with valine, which is neutral and non-polar, at codon 1941 of the SNRNP200 protein (p.Ala1941Val).

NM_014014.5(SNRNP200):c.5822C>T (p.Ala1941Val)

Gene: SNRNP200 (small nuclear ribonucleoprotein U5 subunit 200; minus strand). Cytogenetic location: 2q11.2.
Variant type: single nucleotide variant.
Coding change: c.5822C>T on transcript NM_014014.5 (MANE Select); coding-DNA position 5822, C replaced by T.
Protein change: p.Ala1941Val; replaces alanine 1941 with valine.
Molecular consequence: missense variant.
Genome position (GRCh38, 1-based): chr2:96,277,648, G>A on the plus strand (C>T on the coding strand, the complement: SNRNP200 is on the minus strand). VCF-style: chr2-96277648-G-A. GRCh37 (hg19) VCF-style: chr2-96943386-G-A.
Other names: short protein forms A1941V.
Identifiers: ClinVar variation 1039585 (VCV001039585.8), dbSNP rs1684690073, ClinGen allele CA347657713.